The following is an entry in ClinVar:

NM_020549.5(CHAT):c.1749C>T (p.Ala583=)

Gene: CHAT (choline O-acetyltransferase; plus strand). Cytogenetic location: 10q11.23.
Variant type: single nucleotide variant.
Coding change: c.1749C>T on transcript NM_020549.5 (MANE Select); coding-DNA position 1749, C replaced by T.
Protein change: p.Ala583=; no amino-acid change (alanine 583 retained).
Molecular consequence: synonymous variant.
Genome position (GRCh38, 1-based): chr10:49,655,209, C>T. VCF-style: chr10-49655209-C-T. GRCh37 (hg19) VCF-style: chr10-50863255-C-T.
Other names: c.1395C>T, p.Ala465= (NM_001142929.2, NM_001142934.2, NM_020984.4 and 2 more transcripts); c.1503C>T, p.Ala501= (NM_001142933.2).
Identifiers: ClinVar variation 1989160 (VCV001989160.6), dbSNP rs201580702, ClinGen allele CA5497606.

ClinVar aggregate classification (germline): Likely benign. Review status: criteria provided, multiple submitters, no conflicts (2 of 4 stars). 2 submissions from 2 submitters: Likely benign (2). Last evaluated 2026-07-01.

Conditions:
Familial infantile myasthenia (CMS6). Also called: MYASTHENIC SYNDROME, PRESYNAPTIC, CONGENITAL, ASSOCIATED WITH EPISODIC APNEA; MYASTHENIC SYNDROME, CONGENITAL, 6, PRESYNAPTIC; Congenital myasthenic syndrome type 6. Identifiers: Orphanet 590, MedGen C0393929, MONDO:0009689, OMIM 254210.

Allele frequency attached by ClinVar (database versions not stated): TOPMed 0.00001; ExAC 0.00002.
gnomAD v4.1: 12 of 1,613,946 alleles (0.00074%); highest among the groups gnomAD compares: Middle Eastern, 0.016%; no homozygotes.

Submissions (2):

CeGaT Center for Human Genetics Tuebingen
Classification: Likely benign. Last evaluated: 2026-07-01. Review status: criteria provided, single submitter. Criteria: CeGaT Center For Human Genetics Tuebingen Variant Classification Criteria Version 2. Collection method: clinical testing. Allele origin: germline. Affected: yes. Observed: 1 variant allele.
Comment: CHAT: BP4, BP7

Labcorp Genetics (formerly Invitae), Labcorp
Classification: Likely benign for Familial infantile myasthenia. Last evaluated: 2024-01-25. Review status: criteria provided, single submitter. Criteria: Invitae Variant Classification Sherloc (09022015). Collection method: clinical testing. Allele origin: germline.